The following is an entry in ClinVar:

ClinVar aggregate classification (germline): Uncertain significance (1 of 4 stars; one submission).

Conditions:
Dyskeratosis congenita. Identifiers: Orphanet 1775, MedGen C0265965, MONDO:0015780.

Submission:

Labcorp Genetics (formerly Invitae), Labcorp
Classification: Uncertain significance for Dyskeratosis congenita. Last evaluated: 2024-04-01. Review status: criteria provided, single submitter. Criteria: Invitae Variant Classification Sherloc (09022015). Collection method: clinical testing. Allele origin: germline.
Comment: This sequence change replaces proline, which is neutral and non-polar, with histidine, which is basic and polar, at codon 431 of the TINF2 protein (p.Pro431His). This variant is not present in population databases (gnomAD no frequency). This variant has not been reported in the literature in individuals affected with TINF2-related conditions. An algorithm developed to predict the effect of missense changes on protein structure and function (PolyPhen-2) suggests that this variant is likely to be tolerated. In summary, the available evidence is currently insufficient to determine the role of this variant in disease. Therefore, it has been classified as a Variant of Uncertain Significance.

NM_001099274.3(TINF2):c.1292C>A (p.Pro431His)

Gene: TINF2 (TERF1 interacting nuclear factor 2; minus strand). Cytogenetic location: 14q12.
Variant type: single nucleotide variant.
Coding change: c.1292C>A on transcript NM_001099274.3 (MANE Select); coding-DNA position 1292, C replaced by A.
Protein change: p.Pro431His; replaces proline 431 with histidine.
Molecular consequence: missense variant. On other transcripts: 3 prime UTR variant (1).
Genome position (GRCh38, 1-based): chr14:24,239,861, G>T on the plus strand (C>A on the coding strand, the complement: TINF2 is on the minus strand). VCF-style: chr14-24239861-G-T. GRCh37 (hg19) VCF-style: chr14-24709067-G-T.
Other names: c.1187C>A, p.Pro396His (NM_001363668.2); c.*554C>A (NM_012461.3); short protein forms P431H, P396H.
Identifiers: ClinVar variation 2968106 (VCV002968106.3), dbSNP rs753506686, ClinGen allele CA389219794.